The following is an entry in ClinVar:

NM_004444.5(EPHB4):c.2755A>G (p.Ile919Val)

Gene: EPHB4 (EPH receptor B4; minus strand). Cytogenetic location: 7q22.1.
Variant type: single nucleotide variant.
Coding change: c.2755A>G on transcript NM_004444.5 (MANE Select); coding-DNA position 2755, A replaced by G.
Protein change: p.Ile919Val; replaces isoleucine 919 with valine.
Molecular consequence: missense variant.
Genome position (GRCh38, 1-based): chr7:100,805,245, T>C on the plus strand (A>G on the coding strand, the complement: EPHB4 is on the minus strand). VCF-style: chr7-100805245-T-C. GRCh37 (hg19) VCF-style: chr7-100402867-T-C.
Other names: short protein forms I919V.
Identifiers: ClinVar variation 3224282 (VCV003224282.1), dbSNP rs2484996194, ClinGen allele CA368566599.
Genomic context (GRCh38, chr7:100,805,245, plus strand): 5'-CCAGCTCGAAGGAGCCAAAGCCAGCGGCTGCGAAACTTTCTTCGTATCTTCCCATTTTGA[T>C]GGCCCGAAGCCACTCGCCCACAGAGCCAAAAGCTGAGTAGTGAGGCTGCCGCTGGTCCAG-3'
Protein context (NP_004435.3, residues 909-929): FGSVGEWLRA[Ile919Val]KMGRYEESFA

ClinVar aggregate classification (germline): Uncertain significance (1 of 4 stars; one submission).

Conditions:
Cardiovascular phenotype. Identifiers: MedGen CN230736.

Allele frequency attached by ClinVar (database versions not stated): gnomAD exomes 0.00001.
gnomAD v4.1: 3 of 1,613,638 alleles (0.00019%); highest among the groups gnomAD compares: Non-Finnish European, 0.00025%; no homozygotes.

Submission:

Ambry Genetics
Classification: Uncertain significance for Cardiovascular phenotype. Last evaluated: 2024-01-13. Review status: criteria provided, single submitter. Criteria: Ambry Variant Classification Scheme 2023. Collection method: clinical testing. Allele origin: germline.
Comment: The p.I919V variant (also known as c.2755A>G), located in coding exon 16 of the EPHB4 gene, results from an A to G substitution at nucleotide position 2755. The isoleucine at codon 919 is replaced by valine, an amino acid with highly similar properties. This amino acid position is conserved. In addition, this alteration is predicted to be tolerated by in silico analysis. Since supporting evidence is limited at this time, the clinical significance of this alteration remains unclear.